The following is an entry in ClinVar:

ClinVar aggregate classification (germline): Pathogenic/Likely pathogenic. Review status: criteria provided, multiple submitters, no conflicts (2 of 4 stars). 2 submissions from 2 submitters: Pathogenic (1); Likely pathogenic (1). Last evaluated 2023-10-16.

Conditions:
Fanconi anemia (FA). Also called: Fanconi's anemia. Identifiers: Orphanet 84, MedGen C0015625, MeSH D005199, MONDO:0019391.
Fanconi anemia complementation group I (FANCI). Also called: FANCI-Related Fanconi Anemia. Identifiers: Orphanet 84, MedGen C1836861, MONDO:0012186, OMIM 609053.

Allele frequency attached by ClinVar (database versions not stated): gnomAD exomes below 0.00001; gnomAD 0.00001; TOPMed 0.00002.
gnomAD v4.1: 6 of 1,613,890 alleles (0.00037%); highest among the groups gnomAD compares: African/African-American, 0.008%; no homozygotes.

Submissions (2):

Labcorp Genetics (formerly Invitae), Labcorp
Classification: Pathogenic for Fanconi anemia. Last evaluated: 2023-10-16. Review status: criteria provided, single submitter. Criteria: Invitae Variant Classification Sherloc (09022015). Collection method: clinical testing. Allele origin: germline.
Comment: This sequence change creates a premature translational stop signal (p.Glu894*) in the FANCI gene. It is expected to result in an absent or disrupted protein product. Loss-of-function variants in FANCI are known to be pathogenic (PMID: 17452773, 17460694). This variant is present in population databases (no rsID available, gnomAD 0.007%). This variant has not been reported in the literature in individuals affected with FANCI-related conditions. For these reasons, this variant has been classified as Pathogenic.

Baylor Genetics
Classification: Likely pathogenic for Fanconi anemia complementation group I. Last evaluated: 2023-03-14. Review status: criteria provided, single submitter. Criteria: ACMG Guidelines, 2015. Collection method: clinical testing. Allele origin: unknown.

Literature cited by the submitters: PubMed 17452773 (cited by Labcorp Genetics (formerly Invitae), Labcorp); PubMed 17460694 (cited by Labcorp Genetics (formerly Invitae), Labcorp).

NM_001113378.2(FANCI):c.2680G>T (p.Glu894Ter)

Gene: FANCI (FA complementation group I; plus strand). Cytogenetic location: 15q26.1.
Variant type: single nucleotide variant.
Coding change: c.2680G>T on transcript NM_001113378.2 (MANE Select); coding-DNA position 2680, G replaced by T.
Protein change: p.Glu894Ter; replaces glutamic acid 894 with a stop codon.
Molecular consequence: nonsense.
Genome position (GRCh38, 1-based): chr15:89,299,843, G>T. VCF-style: chr15-89299843-G-T. GRCh37 (hg19) VCF-style: chr15-89843074-G-T.
Other names: c.2401G>T, p.Glu801Ter (NM_001376910.1); c.2680G>T, p.Glu894Ter (NM_001376911.1); c.2500G>T, p.Glu834Ter (NM_018193.3); short protein forms E801*, E834*, E894*.
Identifiers: ClinVar variation 2675631 (VCV002675631.4), dbSNP rs965134950, ClinGen allele CA274521724.